The following is an entry in ClinVar:

ClinVar aggregate classification (germline): Uncertain significance (1 of 4 stars; one submission).

Submission:

Laboratory for Molecular Medicine, Mass General Brigham Personalized Medicine
Classification: Uncertain significance. Last evaluated: 2016-06-30. Review status: criteria provided, single submitter. Criteria: LMM Criteria. Collection method: clinical testing. Allele origin: germline. Observed: 1 variant allele.
Comment: The p.Gly1562Arg variant in CACNA1D has not been previously reported in individu als with hearing loss or in large population studies. Computational prediction t ools and conservation analysis suggest that the p.Gly1562Arg variant may impact the protein, though this information is not predictive enough to determine patho genicity. In summary, the clinical significance of the p.Gly1562Arg variant is u ncertain.

NM_001128840.3(CACNA1D):c.4624G>C (p.Gly1542Arg)

Gene: CACNA1D (calcium voltage-gated channel subunit alpha1 D; plus strand). Cytogenetic location: 3p21.1.
Variant type: single nucleotide variant.
Coding change: c.4624G>C on transcript NM_001128840.3 (MANE Select); coding-DNA position 4624, G replaced by C.
Protein change: p.Gly1542Arg; replaces glycine 1542 with arginine.
Molecular consequence: missense variant.
Genome position (GRCh38, 1-based): chr3:53,780,062, G>C. VCF-style: chr3-53780062-G-C. GRCh37 (hg19) VCF-style: chr3-53814089-G-C.
Other names: c.4684G>C, p.Gly1562Arg (NM_000720.4); c.4579G>C, p.Gly1527Arg (NM_001128839.3); short protein forms G1562R, G1527R, G1542R.
Identifiers: ClinVar variation 505184 (VCV000505184.4), dbSNP rs766813584, ClinGen allele CA353244792.